The following is an entry in ClinVar:

NM_152384.3(BBS5):c.449A>G (p.Lys150Arg)

Gene: BBS5 (Bardet-Biedl syndrome 5; plus strand). Cytogenetic location: 2q31.1.
Variant type: single nucleotide variant.
Coding change: c.449A>G on transcript NM_152384.3 (MANE Select); coding-DNA position 449, A replaced by G.
Protein change: p.Lys150Arg; replaces lysine 150 with arginine.
Molecular consequence: missense variant.
Genome position (GRCh38, 1-based): chr2:169,492,936, A>G. VCF-style: chr2-169492936-A-G. GRCh37 (hg19) VCF-style: chr2-170349446-A-G.
Other names: short protein forms K150R.
Identifiers: ClinVar variation 1474052 (VCV001474052.3), dbSNP rs1214512447, ClinGen allele CA349164740.

ClinVar aggregate classification (germline): Uncertain significance (1 of 4 stars; one submission).

Conditions:
Bardet-Biedl syndrome (BBS). Identifiers: Orphanet 110, MedGen C0752166, MONDO:0015229.

Allele frequency attached by ClinVar (database versions not stated): gnomAD exomes below 0.00001.
gnomAD v4.1: 3 of 1,612,734 alleles (0.00019%); highest among the groups gnomAD compares: Non-Finnish European, 0.00025%; no homozygotes.

Submission:

Labcorp Genetics (formerly Invitae), Labcorp
Classification: Uncertain significance for Bardet-Biedl syndrome. Last evaluated: 2022-08-09. Review status: criteria provided, single submitter. Criteria: Invitae Variant Classification Sherloc (09022015). Collection method: clinical testing. Allele origin: germline.
Comment: This sequence change replaces lysine, which is basic and polar, with arginine, which is basic and polar, at codon 150 of the BBS5 protein (p.Lys150Arg). This variant is not present in population databases (gnomAD no frequency). This variant has not been reported in the literature in individuals affected with BBS5-related conditions. ClinVar contains an entry for this variant (Variation ID: 1474052). Algorithms developed to predict the effect of missense changes on protein structure and function are either unavailable or do not agree on the potential impact of this missense change (SIFT: "Tolerated"; PolyPhen-2: "Probably Damaging"; Align-GVGD: "Class C0"). Algorithms developed to predict the effect of sequence changes on RNA splicing suggest that this variant may disrupt the consensus splice site. In summary, the available evidence is currently insufficient to determine the role of this variant in disease. Therefore, it has been classified as a Variant of Uncertain Significance.